The following is an entry in ClinVar:

ClinVar aggregate classification (germline): Uncertain significance (1 of 4 stars; one submission).

Conditions:
Developmental and epileptic encephalopathy, 30 (DEE30). Also called: Epileptic encephalopathy, early infantile, 30. Identifiers: MedGen C4225360, MONDO:0014595, OMIM 616341.

Allele frequency attached by ClinVar (database versions not stated): ExAC 0.00002.

Submission:

Labcorp Genetics (formerly Invitae), Labcorp
Classification: Uncertain significance for Developmental and epileptic encephalopathy, 30. Last evaluated: 2025-09-01. Review status: criteria provided, single submitter. Criteria: Invitae Variant Classification Sherloc (09022015). Collection method: clinical testing. Allele origin: germline.
Comment: This sequence change replaces arginine, which is basic and polar, with histidine, which is basic and polar, at codon 257 of the SIK1 protein (p.Arg257His). The frequency data for this variant in the population databases is considered unreliable, as metrics indicate poor data quality at this position in the gnomAD database. This variant has not been reported in the literature in individuals affected with SIK1-related conditions. ClinVar contains an entry for this variant (Variation ID: 863363). Invitae Evidence Modeling of protein sequence and biophysical properties (such as structural, functional, and spatial information, amino acid conservation, physicochemical variation, residue mobility, and thermodynamic stability) indicates that this missense variant is not expected to disrupt SIK1 protein function with a negative predictive value of 95%. In summary, the available evidence is currently insufficient to determine the role of this variant in disease. Therefore, it has been classified as a Variant of Uncertain Significance.

NM_173354.5(SIK1):c.770G>A (p.Arg257His)

Gene: SIK1 (salt inducible kinase 1; minus strand). Cytogenetic location: 21q22.3.
Variant type: single nucleotide variant.
Coding change: c.770G>A on transcript NM_173354.5 (MANE Select); coding-DNA position 770, G replaced by A.
Protein change: p.Arg257His; replaces arginine 257 with histidine.
Molecular consequence: missense variant.
Genome position (GRCh38, 1-based): chr21:43,420,436, C>T on the plus strand (G>A on the coding strand, the complement: SIK1 is on the minus strand). VCF-style: chr21-43420436-C-T. GRCh37 (hg19) VCF-style: chr21-44840316-C-T.
Other names: short protein forms R257H.
Identifiers: ClinVar variation 863363 (VCV000863363.8), dbSNP rs758756558, ClinGen allele CA321326968.
Genomic context (GRCh38, chr21:43,420,436, plus strand): 5'-CACCGGTGCTGCCGGATCTGGGCGATGGTGATGCGCCTGGCGGGGTCCACCACCAGCATG[C>T]GGCGGATCAGGCTCTCACAGTCTGTGGAGGGGCCAGGAGGCTGAGCCAGGGCGGCCGGGA-3'
Protein context (NP_775490.2, residues 247-267): MSQDCESLIR[Arg257His]MLVVDPARRI